The following is an entry in ClinVar:

NM_000780.4(CYP7A1):c.1058C>T (p.Ser353Leu)

Genes: CYP7A1 (cytochrome P450 family 7 subfamily A member 1; minus strand), LOC126860400 (BRD4-independent group 4 enhancer GRCh37_chr8:59404317-59405516; plus strand). Cytogenetic location: 8q12.1.
Variant type: single nucleotide variant.
Coding change: c.1058C>T on transcript NM_000780.4 (MANE Select); coding-DNA position 1058, C replaced by T.
Protein change: p.Ser353Leu; replaces serine 353 with leucine.
Molecular consequence: missense variant.
Genome position (GRCh38, 1-based): chr8:58,492,510, G>A on the plus strand (C>T on the coding strand, the complement: CYP7A1 is on the minus strand). VCF-style: chr8-58492510-G-A. GRCh37 (hg19) VCF-style: chr8-59405069-G-A.
Other names: p.Ser353Leu; c.1058C>T (NM_000780.3); short protein forms S353L.
Identifiers: ClinVar variation 4541373 (VCV004541373.2).

ClinVar aggregate classification (germline): Uncertain significance. Review status: criteria provided, multiple submitters, no conflicts (2 of 4 stars). 2 submissions from 2 submitters: Uncertain significance (2). Last evaluated 2025-10-30.

Conditions:
CYP7A1-related disorder. Also called: CYP7A1-related condition.

Submissions (2):

PreventionGenetics, part of Exact Sciences
Classification: Uncertain significance for CYP7A1-related condition. Last evaluated: 2025-10-30. Review status: criteria provided, single submitter. Criteria: ACMG Guidelines, 2015. Collection method: clinical testing. Allele origin: germline.
Comment: The CYP7A1 c.1058C>T variant is predicted to result in the amino acid substitution p.Ser353Leu. To our knowledge, this variant has not been reported in the literature. This variant is reported in 0.0080% of alleles in individuals of African descent in gnomAD. Although we suspect that this variant may be benign, at this time, the clinical significance of this variant is uncertain due to the absence of conclusive functional and genetic evidence.

Mayo Clinic Laboratories, Mayo Clinic
Classification: Uncertain significance. Last evaluated: 2025-02-12. Review status: criteria provided, single submitter. Criteria: ACMG Guidelines, 2015. Collection method: clinical testing. Allele origin: germline. Observed: 1 variant allele.
Comment: PM2_supporting